The following is an entry in ClinVar:

ClinVar aggregate classification (germline): Pathogenic/Likely pathogenic. Review status: criteria provided, multiple submitters, no conflicts (2 of 4 stars). 3 submissions from 3 submitters: Pathogenic (2); Likely pathogenic (1). Last evaluated 2022-01-05.

Conditions:
FGFR2-related craniosynostosis. Identifiers: MedGen CN231480.
Crouzon syndrome. Also called: CRANIOFACIAL DYSOSTOSIS, TYPE I; Craniofacial dysostosis; Craniofacial dysostosis type 1; Crouzon craniofacial dysostosis; Crouzon disease. Identifiers: Orphanet 207, MedGen C0010273, MeSH D003394, MONDO:0007405, OMIM 123500, HP:0004439.

Submissions (3):

Dasa
Classification: Pathogenic for FGFR2-related craniosynostosis. Last evaluated: 2022-01-05. Review status: criteria provided, single submitter. Criteria: ACMG Guidelines, 2015. Collection method: clinical testing. Allele origin: germline. Affected: yes. Observed: 1 variant allele.
Comment: The c.812G>T;p.(Gly271Val) missense variant has been observed in affected individual(s) and ClinVar contains an entry for this variant (Clinvar ID: 573667; PMID: 25425289) - PS4_supporting The variant was observed to have arisen de novo (paternity confirmed) in a patient with the disease and no family history (PMID: 25425289) - PS2.The variant is located in a mutational hot spot and/or critical and well-established functional domain (I-set; ig; Ig_3) - PM1. This variant is not present in population databases (rs1564919048, gnomAD; ABraOM no frequency) - PM2. Missense variant in FGFR2 that has a low rate of benign missense variation and in which missense variants are a common mechanism of disease - PP2. Multiple lines of computational evidence support a deleterious effect on the gene or gene product - PP3. In summary, the currently available evidence indicates that the variant is pathogenic.

Labcorp Genetics (formerly Invitae), Labcorp
Classification: Likely pathogenic for FGFR2-related craniosynostosis. Last evaluated: 2018-06-19. Review status: criteria provided, single submitter. Criteria: Invitae Variant Classification Sherloc (09022015). Collection method: clinical testing. Allele origin: germline.
Comment: In summary, the currently available evidence indicates that the variant is pathogenic, but additional data are needed to prove that conclusively. Therefore, this variant has been classified as Likely Pathogenic. Algorithms developed to predict the effect of missense changes on protein structure and function do not agree on the potential impact of this missense change (SIFT: "Deleterious"; PolyPhen-2: "Benign"; Align-GVGD: "Class C15"). This variant has been reported to be de novo in an individual affected with craniofacial features resembling Crouzon/Pfeiffer syndrome (PMID: 25425289). This variant is not present in population databases (ExAC no frequency). This sequence change replaces glycine with valine at codon 271 of the FGFR2 protein (p.Gly271Val). The glycine residue is highly conserved and there is a moderate physicochemical difference between glycine and valine.

Institute for Genomic Statistics and Bioinformatics, University Hospital Bonn
Classification: Pathogenic for Crouzon syndrome. Review status: criteria provided, single submitter. Criteria: ACMG Guidelines, 2015. Collection method: clinical testing. Allele origin: unknown. Affected: yes. Observed: 1 variant allele.

Literature cited by the submitters: PubMed 25425289 (cited by Dasa and Labcorp Genetics (formerly Invitae), Labcorp); PubMed 23995961 (cited by Dasa).

NM_000141.5(FGFR2):c.812G>T (p.Gly271Val)

Gene: FGFR2 (fibroblast growth factor receptor 2; minus strand). Cytogenetic location: 10q26.13.
Variant type: single nucleotide variant.
Coding change: c.812G>T on transcript NM_000141.5 (MANE Select); coding-DNA position 812, G replaced by T.
Protein change: p.Gly271Val; replaces glycine 271 with valine.
Molecular consequence: missense variant. On other transcripts: non-coding transcript variant (1), intron variant (1).
Genome position (GRCh38, 1-based): chr10:121,520,106, C>A on the plus strand (G>T on the coding strand, the complement: FGFR2 is on the minus strand). VCF-style: chr10-121520106-C-A. GRCh37 (hg19) VCF-style: chr10-123279620-C-A.
Other names: c.812G>T, p.Gly271Val (NM_001144913.1, NM_001144917.2, NM_001320658.2 and 1 more transcripts); c.545G>T, p.Gly182Val (NM_001144915.2, NM_001144919.2, NM_023029.3); c.467G>T, p.Gly156Val (NM_001144916.2, NM_001144918.2); c.128G>T, p.Gly43Val (NM_001320654.2); c.749-4787G>T (NM_001144914.1); short protein forms G271V, G156V, G43V, G182V.
Identifiers: ClinVar variation 573667 (VCV000573667.13), dbSNP rs1564919048, ClinGen allele CA378330949.